The following is an entry in ClinVar:

NM_006297.3(XRCC1):c.981G>C (p.Leu327=)

Gene: XRCC1 (X-ray repair cross complementing 1; minus strand). Cytogenetic location: 19q13.31.
Variant type: single nucleotide variant.
Coding change: c.981G>C on transcript NM_006297.3 (MANE Select); coding-DNA position 981, G replaced by C.
Protein change: p.Leu327=; no amino-acid change (leucine 327 retained).
Molecular consequence: synonymous variant.
Genome position (GRCh38, 1-based): chr19:43,552,118, C>G on the plus strand (G>C on the coding strand, the complement: XRCC1 is on the minus strand). VCF-style: chr19-43552118-C-G. GRCh37 (hg19) VCF-style: chr19-44056270-C-G.
Identifiers: ClinVar variation 2498786 (VCV002498786.28), dbSNP rs2513650176, ClinGen allele CA507741146.

ClinVar aggregate classification (germline): Likely benign (1 of 4 stars; one submission).

Submission:

CeGaT Center for Human Genetics Tuebingen
Classification: Likely benign. Last evaluated: 2024-07-01. Review status: criteria provided, single submitter. Criteria: CeGaT Center For Human Genetics Tuebingen Variant Classification Criteria Version 2. Collection method: clinical testing. Allele origin: germline. Affected: yes. Observed: 1 variant allele.
Comment: XRCC1: PM2:Supporting, BP4, BP7